The following is an entry in ClinVar:

ClinVar aggregate classification (germline): Uncertain significance (1 of 4 stars; one submission).

Conditions:
Autosomal recessive severe congenital neutropenia due to CSF3R deficiency. Also called: Neutropenia, severe congenital, 7, autosomal recessive. Identifiers: Orphanet 420702, MedGen C4310764, MONDO:0014865, OMIM 617014.

gnomAD v4.1: 5 of 1,614,202 alleles (0.00031%); highest among the groups gnomAD compares: Non-Finnish European, 0.00042%; no homozygotes.

Submission:

Labcorp Genetics (formerly Invitae), Labcorp
Classification: Uncertain significance for Autosomal recessive severe congenital neutropenia due to CSF3R deficiency. Last evaluated: 2025-09-17. Review status: criteria provided, single submitter. Criteria: Invitae Variant Classification Sherloc (09022015). Collection method: clinical testing. Allele origin: germline.
Comment: This sequence change replaces proline, which is neutral and non-polar, with leucine, which is neutral and non-polar, at codon 692 of the CSF3R protein (p.Pro692Leu). This variant is not present in population databases (gnomAD no frequency). This variant has not been reported in the literature in individuals affected with CSF3R-related conditions. Invitae Evidence Modeling of protein sequence and biophysical properties (such as structural, functional, and spatial information, amino acid conservation, physicochemical variation, residue mobility, and thermodynamic stability) indicates that this missense variant is not expected to disrupt CSF3R protein function with a negative predictive value of 80%. In summary, the available evidence is currently insufficient to determine the role of this variant in disease. Therefore, it has been classified as a Variant of Uncertain Significance.

NM_000760.4(CSF3R):c.2075C>T (p.Pro692Leu)

Gene: CSF3R (colony stimulating factor 3 receptor; minus strand). Cytogenetic location: 1p34.3.
Variant type: single nucleotide variant.
Coding change: c.2075C>T on transcript NM_000760.4 (MANE Select); coding-DNA position 2075, C replaced by T.
Protein change: p.Pro692Leu; replaces proline 692 with leucine.
Molecular consequence: missense variant.
Genome position (GRCh38, 1-based): chr1:36,466,793, G>A on the plus strand (C>T on the coding strand, the complement: CSF3R is on the minus strand). VCF-style: chr1-36466793-G-A. GRCh37 (hg19) VCF-style: chr1-36932394-G-A.
Other names: c.2156C>T, p.Pro719Leu (NM_156039.3); c.2075C>T, p.Pro692Leu (NM_172313.3); short protein forms P692L, P719L.
Identifiers: ClinVar variation 4804318 (VCV004804318.1).